The following is an entry in ClinVar:

NM_006432.5(NPC2):c.218del (p.Val73fs)

Gene: NPC2 (NPC intracellular cholesterol transporter 2; minus strand). Cytogenetic location: 14q24.3.
Variant type: Deletion.
Coding change: c.218del on transcript NM_006432.5 (MANE Select); coding-DNA position 218, one base deleted (T; older notation c.218delT).
Protein change: p.Val73fs; shifts the reading frame from valine 73.
Molecular consequence: frameshift variant.
Genome position (GRCh38, 1-based): chr14:74,484,560, A deleted on the plus strand (T on the coding strand, the reverse complement: NPC2 is on the minus strand). VCF-style (leftmost placement, unchanged base first): chr14-74484559-CA-C. GRCh37 (hg19) VCF-style: chr14-74951262-CA-C.
Other names: c.218del, p.Val73fs (NM_001363688.1, NM_001375440.1); short protein forms V73fs.
Identifiers: ClinVar variation 1725883 (VCV001725883.2), dbSNP rs2506104627, ClinGen allele CA2580088719.

ClinVar aggregate classification (germline): Likely pathogenic (1 of 4 stars; one submission).

Conditions:
Niemann-Pick disease, type C2 (NPC2). Identifiers: Orphanet 646, MedGen C1843366, MONDO:0011873, OMIM 607625.

Submission:

Myriad Genetics, Inc.
Classification: Likely pathogenic for Niemann-Pick disease, type C2. Last evaluated: 2022-04-05. Review status: criteria provided, single submitter. Criteria: Myriad Women's Health Autosomal Recessive and X-Linked Classification Criteria (2021). Collection method: clinical testing. Allele origin: unknown.
Comment: NM_006432.3(NPC2):c.218delT(V73Gfs*6) is expected to be pathogenic in the context of Niemann-Pick disease type C2. This variant is predicted to lead to an abnormal or absent protein product due to the creation of a premature termination codon in NPC2, a gene where loss-of-function variants are known to be pathogenic. Please note: this variant was assessed in the context of healthy population screening.